The following is an entry in ClinVar:

ClinVar aggregate classification (germline): Uncertain significance (1 of 4 stars; one submission).

Conditions:
Cardiovascular phenotype. Identifiers: MedGen CN230736.

Submission:

Ambry Genetics
Classification: Uncertain significance for Cardiovascular phenotype. Last evaluated: 2026-06-09. Review status: criteria provided, single submitter. Criteria: Ambry Variant Classification Scheme 2023. Collection method: clinical testing. Allele origin: germline.
Comment: The p.D501E variant (also known as c.1503C>A), located in coding exon 10 of the CBL gene, results from a C to A substitution at nucleotide position 1503. The aspartic acid at codon 501 is replaced by glutamic acid, an amino acid with highly similar properties. This amino acid position is conserved. In addition, the in silico prediction for this alteration is inconclusive. Based on the available evidence, the clinical significance of this variant remains unclear.

NM_005188.4(CBL):c.1503C>A (p.Asp501Glu)

Gene: CBL (Cbl proto-oncogene; plus strand). Cytogenetic location: 11q23.3.
Variant type: single nucleotide variant.
Coding change: c.1503C>A on transcript NM_005188.4 (MANE Select); coding-DNA position 1503, C replaced by A.
Protein change: p.Asp501Glu; replaces aspartic acid 501 with glutamic acid.
Molecular consequence: missense variant.
Genome position (GRCh38, 1-based): chr11:119,285,040, C>A. VCF-style: chr11-119285040-C-A. GRCh37 (hg19) VCF-style: chr11-119155750-C-A.
Other names: short protein forms D501E.
Identifiers: ClinVar variation 4868283 (VCV004868283.1).